The following is an entry in ClinVar:

NM_182914.3(SYNE2):c.3730A>G (p.Met1244Val)

Gene: SYNE2 (spectrin repeat containing nuclear envelope protein 2; plus strand). Cytogenetic location: 14q23.2.
Variant type: single nucleotide variant.
Coding change: c.3730A>G on transcript NM_182914.3 (MANE Select); coding-DNA position 3730, A replaced by G.
Protein change: p.Met1244Val; replaces methionine 1244 with valine.
Molecular consequence: missense variant.
Genome position (GRCh38, 1-based): chr14:64,002,025, A>G. VCF-style: chr14-64002025-A-G. GRCh37 (hg19) VCF-style: chr14-64468743-A-G.
Other names: c.3730A>G, p.Met1244Val (NM_015180.6); short protein forms M1244V.
Identifiers: ClinVar variation 283461 (VCV000283461.13), dbSNP rs886042631, ClinGen allele CA10604500.

ClinVar aggregate classification (germline): Uncertain significance. Review status: criteria provided, multiple submitters, no conflicts (2 of 4 stars). 2 submissions from 2 submitters: Uncertain significance (2). Last evaluated 2020-03-09.

Conditions:
Emery-Dreifuss muscular dystrophy 5, autosomal dominant (EDMD5). Also called: EMERY-DREIFUSS MUSCULAR DYSTROPHY 5. Identifiers: Orphanet 261, MedGen C2751805, MONDO:0013072, OMIM 612999.

Allele frequency attached by ClinVar (database versions not stated): TOPMed below 0.00001.

Submissions (2):

Labcorp Genetics (formerly Invitae), Labcorp
Classification: Uncertain significance for Emery-Dreifuss muscular dystrophy 5, autosomal dominant. Last evaluated: 2020-03-09. Review status: criteria provided, single submitter. Criteria: Invitae Variant Classification Sherloc (09022015). Collection method: clinical testing. Allele origin: germline.
Comment: This sequence change replaces methionine with valine at codon 1244 of the SYNE2 protein (p.Met1244Val). The methionine residue is weakly conserved and there is a small physicochemical difference between methionine and valine. This variant is not present in population databases (ExAC no frequency). This variant has not been reported in the literature in individuals with SYNE2-related conditions. ClinVar contains an entry for this variant (Variation ID: 283461). Algorithms developed to predict the effect of missense changes on protein structure and function output the following: SIFT: "Tolerated"; PolyPhen-2: "Benign"; Align-GVGD: "Class C0". The valine amino acid residue is found in multiple mammalian species, suggesting that this missense change does not adversely affect protein function. These predictions have not been confirmed by published functional studies and their clinical significance is uncertain. Algorithms developed to predict the effect of sequence changes on RNA splicing suggest that this variant may create or strengthen a splice site, but this prediction has not been confirmed by published transcriptional studies. In summary, the available evidence is currently insufficient to determine the role of this variant in disease. Therefore, it has been classified as a Variant of Uncertain Significance.

Eurofins Ntd Llc (ga)
Classification: Uncertain significance. Last evaluated: 2015-09-29. Review status: criteria provided, single submitter. Criteria: EGL Classification Definitions 2015. Collection method: clinical testing. Allele origin: germline. Observed: 1 variant allele, 1 heterozygote.